The following is an entry in ClinVar:

ClinVar aggregate classification (germline): Uncertain significance (1 of 4 stars; one submission).

Submission:

GeneDx
Classification: Uncertain significance. Last evaluated: 2025-02-01. Review status: criteria provided, single submitter. Criteria: GeneDx Variant Classification Process June 2021. Collection method: clinical testing. Allele origin: germline. Affected: yes.
Comment: Not observed at significant frequency in large population cohorts (gnomAD); In silico analysis supports that this missense variant has a deleterious effect on protein structure/function; Has not been previously published as pathogenic or benign to our knowledge

NM_021035.3(ZNFX1):c.4652T>C (p.Ile1551Thr)

Gene: ZNFX1 (zinc finger NFX1-type containing 1; minus strand). Cytogenetic location: 20q13.13.
Variant type: single nucleotide variant.
Coding change: c.4652T>C on transcript NM_021035.3 (MANE Select); coding-DNA position 4652, T replaced by C.
Protein change: p.Ile1551Thr; replaces isoleucine 1551 with threonine.
Molecular consequence: missense variant.
Genome position (GRCh38, 1-based): chr20:49,248,372, A>G on the plus strand (T>C on the coding strand, the complement: ZNFX1 is on the minus strand). VCF-style: chr20-49248372-A-G. GRCh37 (hg19) VCF-style: chr20-47864909-A-G.
Other names: short protein forms I1551T.
Identifiers: ClinVar variation 4072793 (VCV004072793.1).